The following is an entry in ClinVar:

ClinVar aggregate classification (germline): Uncertain significance (1 of 4 stars; one submission).

Conditions:
Hypertrophic cardiomyopathy. Also called: HYPERTROPHIC MYOCARDIOPATHY. Identifiers: Orphanet 217569, MedGen C0007194, MeSH D002312, MONDO:0005045, HP:0001639.

gnomAD v4.1: 11 of 1,612,744 alleles (0.00068%); highest among the groups gnomAD compares: Non-Finnish European, 0.00093%; no homozygotes.

Submission:

Labcorp Genetics (formerly Invitae), Labcorp
Classification: Uncertain significance for Hypertrophic cardiomyopathy. Last evaluated: 2019-05-08. Review status: criteria provided, single submitter. Criteria: Invitae Variant Classification Sherloc (09022015). Collection method: clinical testing. Allele origin: germline.
Comment: This sequence change creates a premature translational stop signal (p.Gln1334*) in the MYH7 gene. It is expected to result in an absent or disrupted protein product. This variant is not present in population databases (ExAC no frequency). This variant has been observed in an individual affected with hypertrophic cardiomyopathy (PMID: 27532257) and in a family in which it did not segregate with disease (PMID: 15483641). The current clinical and genetic evidence is not sufficient to establish whether loss-of-function variants in MYH7 cause disease. In summary, the available evidence is currently insufficient to determine the role of this variant in disease. Therefore, it has been classified as a Variant of Uncertain Significance.

Literature cited by the submitters: PubMed 27532257; PubMed 15483641.

NM_000257.4(MYH7):c.4000C>T (p.Gln1334Ter)

Gene: MYH7 (myosin heavy chain 7; minus strand). Cytogenetic location: 14q11.2.
Variant type: single nucleotide variant.
Coding change: c.4000C>T on transcript NM_000257.4 (MANE Select); coding-DNA position 4000, C replaced by T.
Protein change: p.Gln1334Ter; replaces glutamine 1334 with a stop codon.
Molecular consequence: nonsense.
Genome position (GRCh38, 1-based): chr14:23,418,379, G>A on the plus strand (C>T on the coding strand, the complement: MYH7 is on the minus strand). VCF-style: chr14-23418379-G-A. GRCh37 (hg19) VCF-style: chr14-23887588-G-A.
Other names: short protein forms Q1334*.
Identifiers: ClinVar variation 570295 (VCV000570295.10), dbSNP rs1238061743, ClinGen allele CA389041268.